The following is an entry in ClinVar:

ClinVar aggregate classification (germline): Likely benign (1 of 4 stars; one submission).

Conditions:
Autosomal recessive congenital ichthyosis 6 (ARCI6). Identifiers: Orphanet 313, Orphanet 79394, MedGen C2677065, MONDO:0012847, OMIM 612281.

Allele frequency attached by ClinVar (database versions not stated): gnomAD 0.00414 and 0.00441; TOPMed 0.00448; 1000 Genomes Project 30x 0.00515; 1000 Genomes Project 0.00519.

Submission:

Illumina Laboratory Services, Illumina
Classification: Likely benign for Autosomal recessive congenital ichthyosis 6. Last evaluated: 2018-01-12. Review status: criteria provided, single submitter. Criteria: ICSL Variant Classification Criteria 13 December 2019. Collection method: clinical testing. Allele origin: germline.
Comment: This variant was observed in the ICSL laboratory as part of a predisposition screen in an ostensibly healthy population. It had not been previously curated by ICSL or reported in the Human Gene Mutation Database (HGMD: prior to June 1st, 2018), and was therefore a candidate for classification through an automated scoring system. Utilizing variant allele frequency, disease prevalence and penetrance estimates, and inheritance mode, an automated score was calculated to assess if this variant is too frequent to cause the disease. Based on the score and internal cut-off values, a variant classified as likely benign is not then subjected to further curation. The score for this variant resulted in a classification of likely benign for this disease.

NM_001099287.2(NIPAL4):c.*623T>C

Gene: NIPAL4 (NIPA like domain containing 4; plus strand). Cytogenetic location: 5q33.3.
Variant type: single nucleotide variant.
Coding change: c.*623T>C on transcript NM_001099287.2 (MANE Select); 623 bases downstream of the stop codon, T replaced by C.
Molecular consequence: 3 prime UTR variant.
Genome position (GRCh38, 1-based): chr5:157,473,583, T>C. VCF-style: chr5-157473583-T-C. GRCh37 (hg19) VCF-style: chr5-156900591-T-C.
Other names: c.*623T>C (NM_001172292.2).
Identifiers: ClinVar variation 906378 (VCV000906378.4), dbSNP rs138577196, ClinGen allele CA130151165.